The following is an entry in ClinVar:

NM_014285.7(EXOSC2):c.91G>C (p.Asp31His)

Genes: EXOSC2 (exosome component 2; plus strand), LOC130002815 (ATAC-STARR-seq lymphoblastoid active region 29156; plus strand). Cytogenetic location: 9q34.12.
Variant type: single nucleotide variant.
Coding change: c.91G>C on transcript NM_014285.7 (MANE Select); coding-DNA position 91, G replaced by C.
Protein change: p.Asp31His; replaces aspartic acid 31 with histidine.
Molecular consequence: missense variant. On other transcripts: non-coding transcript variant (1).
Genome position (GRCh38, 1-based): chr9:130,693,882, G>C. VCF-style: chr9-130693882-G-C. GRCh37 (hg19) VCF-style: chr9-133569269-G-C.
Other names: c.91G>C, p.Asp31His (NM_001282708.1, NM_001282709.1); short protein forms D31H.
Identifiers: ClinVar variation 1379198 (VCV001379198.8), dbSNP rs371754404, ClinGen allele CA375246035.
Genomic context (GRCh38, chr9:130,693,882, plus strand): 5'-CGCAAGCCTCTTAGCGAGAGACTGGGCCGCGACACTAAGAAACATCTAGTGGTGCCGGGG[G>C]ATACAATCACTACGGACACAGGATTCATGCGGTACGTGGGGACTTGGGGGAGTCGAGGCT-3'
Protein context (NP_055100.2, residues 21-41): DTKKHLVVPG[Asp31His]TITTDTGFMR

ClinVar aggregate classification (germline): Uncertain significance (1 of 4 stars; one submission).

gnomAD v4.1: 19 of 1,611,682 alleles (0.0012%); highest among the groups gnomAD compares: Admixed American, 0.005%; no homozygotes.

Submission:

Labcorp Genetics (formerly Invitae), Labcorp
Classification: Uncertain significance. Last evaluated: 2023-02-09. Review status: criteria provided, single submitter. Criteria: Invitae Variant Classification Sherloc (09022015). Collection method: clinical testing. Allele origin: germline.
Comment: In summary, the available evidence is currently insufficient to determine the role of this variant in disease. Therefore, it has been classified as a Variant of Uncertain Significance. Advanced modeling of protein sequence and biophysical properties (such as structural, functional, and spatial information, amino acid conservation, physicochemical variation, residue mobility, and thermodynamic stability) performed at Invitae indicates that this missense variant is expected to disrupt EXOSC2 protein function. ClinVar contains an entry for this variant (Variation ID: 1379198). This variant has not been reported in the literature in individuals affected with EXOSC2-related conditions. This variant is present in population databases (no rsID available, gnomAD 0.003%). This sequence change replaces aspartic acid, which is acidic and polar, with histidine, which is basic and polar, at codon 31 of the EXOSC2 protein (p.Asp31His).